The following is an entry in ClinVar:

NM_021619.3(PRDM12):c.811T>G (p.Phe271Val)

Gene: PRDM12 (PR/SET domain 12; plus strand). Cytogenetic location: 9q34.12.
Variant type: single nucleotide variant.
Coding change: c.811T>G on transcript NM_021619.3 (MANE Select); coding-DNA position 811, T replaced by G.
Protein change: p.Phe271Val; replaces phenylalanine 271 with valine.
Molecular consequence: missense variant.
Genome position (GRCh38, 1-based): chr9:130,681,376, T>G. VCF-style: chr9-130681376-T-G. GRCh37 (hg19) VCF-style: chr9-133556763-T-G.
Other names: short protein forms F271V.
Identifiers: ClinVar variation 430206 (VCV000430206.2), dbSNP rs768643868, ClinGen allele CA375244738.

ClinVar aggregate classification (germline): Likely pathogenic (1 of 4 stars; one submission).

Submission:

GeneDx
Classification: Likely pathogenic. Last evaluated: 2017-05-23. Review status: criteria provided, single submitter. Criteria: GeneDx Variant Classification (06012015). Collection method: clinical testing. Allele origin: germline. Affected: yes.
Comment: The F271V variant in the PRDM12 gene has not been reported previously as a pathogenic variant, nor as a benign variant, to our knowledge. The F271V variant is not observed in large population cohorts (Lek et al., 2016; 1000 Genomes Consortium et al., 2015; Exome Variant Server). The F271V variant is a semi-conservative amino acid substitution, which may impact secondary protein structure as these residues differ in some properties. This substitution occurs at a position that is conserved across species. In silico analysis predicts this variant is probably damaging to the protein structure/function. The F271V variant is in the zinc finger domain where another missense variant (H289L) has been reported in association with sensory and autonomic neuropathy (UniPort; Chen et al., 2015), supporting the functional importance of this region of the protein. We interpret F271V as a likely pathogenic variant.